The following is an entry in ClinVar:

ClinVar aggregate classification (germline): Uncertain significance (1 of 4 stars; one submission).

Allele frequency attached by ClinVar (database versions not stated): gnomAD 0.00001; TOPMed 0.00001.
gnomAD v4.1: 21 of 1,546,832 alleles (0.0014%); highest among the groups gnomAD compares: Non-Finnish European, 0.0018%; no homozygotes.

Submission:

Labcorp Genetics (formerly Invitae), Labcorp
Classification: Uncertain significance. Last evaluated: 2022-01-11. Review status: criteria provided, single submitter. Criteria: Invitae Variant Classification Sherloc (09022015). Collection method: clinical testing. Allele origin: germline.
Comment: This sequence change replaces aspartic acid, which is acidic and polar, with glutamic acid, which is acidic and polar, at codon 274 of the TYMP protein (p.Asp274Glu). This variant is present in population databases (rs760347953, gnomAD 0.008%). This variant has not been reported in the literature in individuals affected with TYMP-related conditions. Advanced modeling of protein sequence and biophysical properties (such as structural, functional, and spatial information, amino acid conservation, physicochemical variation, residue mobility, and thermodynamic stability) performed at Invitae indicates that this missense variant is not expected to disrupt TYMP protein function. In summary, the available evidence is currently insufficient to determine the role of this variant in disease. Therefore, it has been classified as a Variant of Uncertain Significance.

NM_001953.5(TYMP):c.822C>G (p.Asp274Glu)

Gene: TYMP (thymidine phosphorylase; minus strand). Cytogenetic location: 22q13.33.
Variant type: single nucleotide variant.
Coding change: c.822C>G on transcript NM_001953.5 (MANE Select); coding-DNA position 822, C replaced by G.
Protein change: p.Asp274Glu; replaces aspartic acid 274 with glutamic acid.
Molecular consequence: missense variant.
Genome position (GRCh38, 1-based): chr22:50,526,682, G>C on the plus strand (C>G on the coding strand, the complement: TYMP is on the minus strand). VCF-style: chr22-50526682-G-C. GRCh37 (hg19) VCF-style: chr22-50965111-G-C.
Other names: c.822C>G, p.Asp274Glu (NM_001113755.3, NM_001113756.3, NM_001257988.1 and 1 more transcripts); short protein forms D274E.
Identifiers: ClinVar variation 2200890 (VCV002200890.1), dbSNP rs760347953, ClinGen allele CA10321554.